The following is an entry in ClinVar:

ClinVar aggregate classification (germline): Benign/Likely benign. Review status: criteria provided, multiple submitters, no conflicts (2 of 4 stars). 4 submissions from 4 submitters: Benign (3); Likely benign (1). Last evaluated 2026-02-04.

Allele frequency attached by ClinVar (database versions not stated): TOPMed 0.00463; ESP Exome Variant Server 0.00465; gnomAD 0.00650; 1000 Genomes Project 30x 0.00297; 1000 Genomes Project 0.00339.
gnomAD v4.1: 11,358 of 1,610,252 alleles (0.71%); highest among the groups gnomAD compares: Non-Finnish European, 0.78%; 64 homozygotes.

Submissions (4):

Labcorp Genetics (formerly Invitae), Labcorp
Classification: Benign. Last evaluated: 2026-02-04. Review status: criteria provided, single submitter. Criteria: Invitae Variant Classification Sherloc (09022015). Collection method: clinical testing. Allele origin: germline.

CeGaT Center for Human Genetics Tuebingen
Classification: Likely benign. Last evaluated: 2025-12-01. Review status: criteria provided, single submitter. Criteria: CeGaT Center For Human Genetics Tuebingen Variant Classification Criteria Version 2. Collection method: clinical testing. Allele origin: germline. Affected: yes. Observed: 6 variant alleles.
Comment: CCDC88C: BP4, BS2

Mayo Clinic Laboratories, Mayo Clinic
Classification: Benign. Last evaluated: 2023-04-20. Review status: criteria provided, single submitter. Criteria: ACMG Guidelines, 2015. Collection method: clinical testing. Allele origin: germline. Observed: 10 variant alleles.
Comment: BA1, BS2, BP4

Genetic Services Laboratory, University of Chicago
Classification: Benign. Last evaluated: 2015-09-03. Review status: criteria provided, single submitter. Criteria: ACMG Guidelines, 2015. Collection method: clinical testing. Allele origin: germline. Affected: no.

NM_001080414.4(CCDC88C):c.5980C>G (p.Arg1994Gly)

Gene: CCDC88C (coiled-coil and HOOK domain protein 88C; minus strand). Cytogenetic location: 14q32.11.
Variant type: single nucleotide variant.
Coding change: c.5980C>G on transcript NM_001080414.4 (MANE Select); coding-DNA position 5980, C replaced by G.
Protein change: p.Arg1994Gly; replaces arginine 1994 with glycine.
Molecular consequence: missense variant.
Genome position (GRCh38, 1-based): chr14:91,272,732, G>C on the plus strand (C>G on the coding strand, the complement: CCDC88C is on the minus strand). VCF-style: chr14-91272732-G-C. GRCh37 (hg19) VCF-style: chr14-91739076-G-C.
Other names: p.Arg1994Gly; short protein forms R1994G.
Identifiers: ClinVar variation 158119 (VCV000158119.57), dbSNP rs45560241, ClinGen allele CA171546.